The following is an entry in ClinVar:

ClinVar aggregate classification (germline): Uncertain significance. Review status: criteria provided, multiple submitters, no conflicts (2 of 4 stars). 3 submissions from 3 submitters: Uncertain significance (3). Last evaluated 2023-09-29.

Conditions:
Cardiovascular phenotype. Identifiers: MedGen CN230736.
Brugada syndrome 8 (BRGDA8). Identifiers: Orphanet 130, MedGen C2751083, MONDO:0013148, OMIM 613123.

Allele frequency attached by ClinVar (database versions not stated): TOPMed below 0.00001; gnomAD 0.00001; gnomAD exomes 0.00001.

Submissions (3):

Women's Health and Genetics/Laboratory Corporation of America, LabCorp
Classification: Uncertain significance. Last evaluated: 2023-09-29. Review status: criteria provided, single submitter. Criteria: LabCorp Variant Classification Summary - May 2015. Collection method: clinical testing. Allele origin: germline.
Comment: Variant summary: HCN4 c.1331A>T (p.Asp444Val) results in a non-conservative amino acid change located in the ion transport domain (IPR005821) of the encoded protein sequence. Five of five in-silico tools predict a damaging effect of the variant on protein function. The variant was absent in 251470 control chromosomes (gnomAD). The available data on variant occurrences in the general population are insufficient to allow any conclusion about variant significance. To our knowledge, no occurrence of c.1331A>T in individuals affected with Sick Sinus Syndrome 2 or other HCN4-related disorders and no experimental evidence demonstrating its impact on protein function have been reported. Two submitters have cited clinical-significance assessments for this variant to ClinVar after 2014 and both classified the variant as uncertain significance. Based on the evidence outlined above, the variant was classified as uncertain significance.

Ambry Genetics
Classification: Uncertain significance for Cardiovascular phenotype. Last evaluated: 2022-05-30. Review status: criteria provided, single submitter. Criteria: Ambry Variant Classification Scheme 2023. Collection method: clinical testing. Allele origin: germline.
Comment: The p.D444V variant (also known as c.1331A>T), located in coding exon 3 of the HCN4 gene, results from an A to T substitution at nucleotide position 1331. The aspartic acid at codon 444 is replaced by valine, an amino acid with highly dissimilar properties. This amino acid position is conserved. In addition, this alteration is predicted to be deleterious by in silico analysis. Since supporting evidence is limited at this time, the clinical significance of this alteration remains unclear.

Labcorp Genetics (formerly Invitae), Labcorp
Classification: Uncertain significance for Brugada syndrome 8. Last evaluated: 2021-08-31. Review status: criteria provided, single submitter. Criteria: Invitae Variant Classification Sherloc (09022015). Collection method: clinical testing. Allele origin: germline.
Comment: This sequence change replaces aspartic acid with valine at codon 444 of the HCN4 protein (p.Asp444Val). The aspartic acid residue is highly conserved and there is a large physicochemical difference between aspartic acid and valine. This variant is not present in population databases (ExAC no frequency). This variant has not been reported in the literature in individuals affected with HCN4-related conditions. Advanced modeling of protein sequence and biophysical properties (such as structural, functional, and spatial information, amino acid conservation, physicochemical variation, residue mobility, and thermodynamic stability) performed at Invitae indicates that this missense variant is expected to disrupt HCN4 protein function. Algorithms developed to predict the effect of sequence changes on RNA splicing suggest that this variant may create or strengthen a splice site. In summary, the available evidence is currently insufficient to determine the role of this variant in disease. Therefore, it has been classified as a Variant of Uncertain Significance.

NM_005477.3(HCN4):c.1331A>T (p.Asp444Val)

Gene: HCN4 (hyperpolarization activated cyclic nucleotide gated potassium channel 4; minus strand). Cytogenetic location: 15q24.1.
Variant type: single nucleotide variant.
Coding change: c.1331A>T on transcript NM_005477.3 (MANE Select); coding-DNA position 1331, A replaced by T.
Protein change: p.Asp444Val; replaces aspartic acid 444 with valine.
Molecular consequence: missense variant.
Genome position (GRCh38, 1-based): chr15:73,332,171, T>A on the plus strand (A>T on the coding strand, the complement: HCN4 is on the minus strand). VCF-style: chr15-73332171-T-A. GRCh37 (hg19) VCF-style: chr15-73624512-T-A.
Other names: short protein forms D444V.
Identifiers: ClinVar variation 1349052 (VCV001349052.7), dbSNP rs1444329166, ClinGen allele CA393094325.